The following is an entry in ClinVar:

ClinVar aggregate classification (germline): Uncertain significance (1 of 4 stars; one submission).

Conditions:
Oculovertebral syndrome. Identifiers: MedGen C6065896, MONDO:0979866, OMIM 621277.

gnomAD v4.1: 1 of 1,614,176 alleles (0.000062%); highest among the groups gnomAD compares: Non-Finnish European, 0.000085%; no homozygotes.

Submission:

Molecular Genetics of Human Eye Development, Oxford Brookes University
Classification: Uncertain significance for Oculovertebral syndrome. Last evaluated: 2026-02-06. Review status: criteria provided, single submitter. Criteria: ACMG Guidelines, 2015. Collection method: research. Allele origin: inherited. Affected: yes. Observed: 2 variant alleles.
Comment: The NR6A1 c.254A>G; p.(Lys85Arg) variant was identified in two siblings, one with bilateral anophthalmia and the other with unilateral microphthalmia and sclerocornea. The variant was inherited from their asymptomatic father. The variant is rare with on 1 allele reported in gnomAD v4.10 database. It is predicted deleterious/damaging by in silico prediction tools including SIFT, PolyPhen and AlphaMissense. The variant is classified as a variant of uncertain significance (PM1, PP3 – ACMG Guidelines, 2015 [PMID:25741868])

NM_033334.4(NR6A1):c.254A>G (p.Lys85Arg)

Gene: NR6A1 (nuclear receptor subfamily 6 group A member 1; minus strand). Cytogenetic location: 9q33.3.
Variant type: single nucleotide variant.
Coding change: c.254A>G on transcript NM_033334.4 (MANE Select); coding-DNA position 254, A replaced by G.
Protein change: p.Lys85Arg; replaces lysine 85 with arginine.
Molecular consequence: missense variant.
Genome position (GRCh38, 1-based): chr9:124,554,459, T>C on the plus strand (A>G on the coding strand, the complement: NR6A1 is on the minus strand). VCF-style: chr9-124554459-T-C. GRCh37 (hg19) VCF-style: chr9-127316738-T-C.
Other names: c.242A>G, p.Lys81Arg (NM_001278546.2, NM_001489.5); c.254A>G, p.Lys85Arg (NM_001410996.1); short protein forms K81R, K85R.
Identifiers: ClinVar variation 4759263 (VCV004759263.1).